The following is an entry in ClinVar:

ClinVar aggregate classification (germline): Conflicting classifications of pathogenicity. Review status: criteria provided, conflicting classifications (1 of 4 stars). 7 submissions from 7 submitters: Uncertain significance (5); Benign (1); Likely benign (1). Last evaluated 2025-12-24.

Conditions:
Autosomal dominant aplasia and myelodysplasia. Also called: Bone marrow failure syndrome 1. Identifiers: Orphanet 314399, MedGen C3808553, MONDO:0013851, OMIM 614675.

gnomAD v4.1: 178 of 1,561,382 alleles (0.011%); highest among the groups gnomAD compares: Middle Eastern, 0.017%; no homozygotes.

Submissions (7):

Labcorp Genetics (formerly Invitae), Labcorp
Classification: Uncertain significance. Last evaluated: 2025-12-24. Review status: criteria provided, single submitter. Criteria: Invitae Variant Classification Sherloc (09022015). Collection method: clinical testing. Allele origin: germline.
Comment: This sequence change replaces glycine, which is neutral and non-polar, with glutamic acid, which is acidic and polar, at codon 7 of the SRP72 protein (p.Gly7Glu). This variant is present in population databases (rs139502866, gnomAD 0.02%). This variant has not been reported in the literature in individuals affected with SRP72-related conditions. ClinVar contains an entry for this variant (Variation ID: 349113). An algorithm developed to predict the effect of missense changes on protein structure and function (PolyPhen-2) suggests that this variant is likely to be disruptive. In summary, the available evidence is currently insufficient to determine the role of this variant in disease. Therefore, it has been classified as a Variant of Uncertain Significance.

Ambry Genetics
Classification: Uncertain significance. Last evaluated: 2025-11-03. Review status: criteria provided, single submitter. Criteria: Ambry Variant Classification Scheme 2023. Collection method: clinical testing. Allele origin: germline.

Blueprint Genetics
Classification: Likely benign. Last evaluated: 2024-11-26. Review status: criteria provided, single submitter. Criteria: ACMG Guidelines, 2015. Collection method: clinical testing. Allele origin: germline.

GeneDx
Classification: Uncertain significance. Last evaluated: 2024-07-01. Review status: criteria provided, single submitter. Criteria: GeneDx Variant Classification Process June 2021. Collection method: clinical testing. Allele origin: germline. Affected: yes.
Comment: In silico analysis indicates that this missense variant does not alter protein structure/function; Has not been previously published as pathogenic or benign to our knowledge

Fulgent Genetics
Classification: Uncertain significance for Autosomal dominant aplasia and myelodysplasia. Last evaluated: 2024-03-12. Review status: criteria provided, single submitter. Criteria: ACMG Guidelines, 2015. Collection method: clinical testing. Allele origin: germline.

Illumina Laboratory Services, Illumina
Classification: Benign for Autosomal dominant aplasia and myelodysplasia. Last evaluated: 2018-01-12. Review status: criteria provided, single submitter. Criteria: ICSL Variant Classification Criteria 13 December 2019. Collection method: clinical testing. Allele origin: germline.
Comment: This variant was observed in the ICSL laboratory as part of a predisposition screen in an ostensibly healthy population. It had not been previously curated by ICSL or reported in the Human Gene Mutation Database (HGMD: prior to June 1st, 2018), and was therefore a candidate for classification through an automated scoring system. Utilizing variant allele frequency, disease prevalence and penetrance estimates, and inheritance mode, an automated score was calculated to assess if this variant is too frequent to cause the disease. Based on the score and internal cut-off values, a variant classified as benign is not then subjected to further curation. The score for this variant resulted in a classification of benign for this disease.

Genetic Services Laboratory, University of Chicago
Classification: Uncertain significance. Last evaluated: 2017-08-09. Review status: criteria provided, single submitter. Criteria: ACMG Guidelines, 2015. Collection method: clinical testing. Allele origin: germline. Affected: no.

NM_006947.4(SRP72):c.20G>A (p.Gly7Glu)

Genes: SRP72 (signal recognition particle 72; plus strand), LOC129992625 (ATAC-STARR-seq lymphoblastoid active region 21580; plus strand). Cytogenetic location: 4q12.
Variant type: single nucleotide variant.
Coding change: c.20G>A on transcript NM_006947.4 (MANE Select); coding-DNA position 20, G replaced by A.
Protein change: p.Gly7Glu; replaces glycine 7 with glutamic acid.
Molecular consequence: missense variant. On other transcripts: non-coding transcript variant (1).
Genome position (GRCh38, 1-based): chr4:56,467,655, G>A. VCF-style: chr4-56467655-G-A. GRCh37 (hg19) VCF-style: chr4-57333821-G-A.
Other names: c.20G>A, p.Gly7Glu (NM_001267722.2); short protein forms G7E.
Identifiers: ClinVar variation 349113 (VCV000349113.22), dbSNP rs139502866, ClinGen allele CA2930923.
Genomic context (GRCh38, chr4:56,467,655, plus strand): 5'-GGGGCAGAGGTCTCCCCGCCCCGCCCCTCGTCTCCTCCAAGATGGCGAGCGGCGGCAGCG[G>A]GGGGGTGTCAGTACCTGCGCTGTGGAGTGAAGTGAACCGGTATGGCCAGAACGGCGACTT-3'
Protein context (NP_008878.3, residues 1-17): MASGGS[Gly7Glu]GVSVPALWSE